The following is an entry in ClinVar:

ClinVar aggregate classification (germline): Uncertain significance. Review status: criteria provided, multiple submitters, no conflicts (2 of 4 stars). 2 submissions from 2 submitters: Uncertain significance (2). Last evaluated 2025-02-25.

gnomAD v4.1: 34 of 1,613,290 alleles (0.0021%); highest among the groups gnomAD compares: Non-Finnish European, 0.0028%; no homozygotes.

Submissions (2):

GeneDx
Classification: Uncertain significance. Last evaluated: 2025-02-25. Review status: criteria provided, single submitter. Criteria: GeneDx Variant Classification Process June 2021. Collection method: clinical testing. Allele origin: germline. Affected: yes.
Comment: Not observed at significant frequency in large population cohorts (gnomAD); In silico analysis indicates that this missense variant does not alter protein structure/function; Has not been previously published as pathogenic or benign to our knowledge

Greenwood Genetic Center Diagnostic Laboratories, Greenwood Genetic Center
Classification: Uncertain significance. Last evaluated: 2024-07-25. Review status: criteria provided, single submitter. Criteria: ACMG Guidelines, 2015. Collection method: clinical testing. Allele origin: germline. Affected: yes.
Comment: BP4

NM_017547.4(FOXRED1):c.436G>A (p.Asp146Asn)

Gene: FOXRED1 (FAD dependent oxidoreductase domain containing 1; plus strand). Cytogenetic location: 11q24.2.
Variant type: single nucleotide variant.
Coding change: c.436G>A on transcript NM_017547.4 (MANE Select); coding-DNA position 436, G replaced by A.
Protein change: p.Asp146Asn; replaces aspartic acid 146 with asparagine.
Molecular consequence: missense variant. On other transcripts: 5 prime UTR variant (8), non-coding transcript variant (3).
Genome position (GRCh38, 1-based): chr11:126,273,354, G>A. VCF-style: chr11-126273354-G-A. GRCh37 (hg19) VCF-style: chr11-126143249-G-A.
Other names: c.436G>A (NM_017547.3); c.466G>A, p.Asp156Asn (NM_001425160.1); c.436G>A, p.Asp146Asn (NM_001425161.1, NM_001425163.1, NM_001425165.1 and 2 more transcripts); c.433G>A, p.Asp145Asn (NM_001425164.1); c.-75G>A (NM_001425168.1, NM_001425169.1, NM_001425170.1); c.-122G>A (NM_001425171.1, NM_001425172.1); c.-103G>A (NM_001425173.1, NM_001425174.1, NM_001425175.1); short protein forms D145N, D146N, D156N.
Identifiers: ClinVar variation 3765864 (VCV003765864.2).
Genomic context (GRCh38, chr11:126,273,354, plus strand): 5'-TCCTTAAGTCAGTTTCTTTCAGGAGCTTCTGTCTGCACACAGGAGTACCTGGCCGTAGTC[G>A]ATGCTCCTCCCCTGGACCTCCGGTTCAACCCCTCGGGCTACCTCTTGCTGGCTTCAGAAA-3'
Protein context (NP_060017.1, residues 136-156): RNINEYLAVV[Asp146Asn]APPLDLRFNP